The following is an entry in ClinVar:

ClinVar aggregate classification (germline): Likely pathogenic (1 of 4 stars; one submission).

Submission:

GeneDx
Classification: Likely pathogenic. Last evaluated: 2026-09-21. Review status: criteria provided, single submitter. Criteria: GeneDx Variant Classification Process June 2021. Collection method: clinical testing. Allele origin: germline.
Comment: Frameshift variant predicted to result in protein truncation or nonsense mediated decay in a gene for which loss of function is a known mechanism of disease; Not observed at significant frequency in large population cohorts (gnomAD); Has not been previously published as pathogenic or benign to our knowledge

NM_000747.3(CHRNB1):c.42_44delinsAA (p.Ala15fs)

Genes: CHRNB1 (cholinergic receptor nicotinic beta 1 subunit; plus strand), LOC130060147 (ATAC-STARR-seq lymphoblastoid silent region 8121; plus strand). Cytogenetic location: 17p13.1.
Variant type: Indel.
Coding change: c.42_44delinsAA on transcript NM_000747.3 (MANE Select); coding-DNA positions 42 to 44, GGC replaced by AA.
Protein change: p.Ala15fs; shifts the reading frame from alanine 15.
Molecular consequence: frameshift variant.
Genome position (GRCh38, 1-based): chr17:7,445,169-7,445,171, GGC replaced by AA. VCF-style: chr17-7445169-GGC-AA. GRCh37 (hg19) VCF-style: chr17-7348488-GGC-AA.
Other names: short protein forms A15fs.
Identifiers: ClinVar variation 1321823 (VCV001321823.4), dbSNP rs2150836777, ClinGen allele CA2573054569.
Genomic context (GRCh38, chr17:7,445,169, plus strand): 5'-CTGAGCGAGCCGCCAGGCTATGACCCCAGGGGCTCTGCTGATGCTGCTGGGGGCGCTGGG[GGC>AA]GCCGCTCGCCCCAGGTAAGTGTAGGCCCCGAAGGGGCAGTGACGGGGCCAGCGGTCGTGG-3'